The following is an entry in ClinVar:

ClinVar aggregate classification (germline): Benign. Review status: criteria provided, multiple submitters, no conflicts (2 of 4 stars). 3 submissions from 3 submitters: Benign (3). Last evaluated 2018-01-13.

Conditions:
Exudative vitreoretinopathy 1 (EVR1). Also called: CRISWICK-SCHEPENS SYNDROME; FEVR, AUTOSOMAL DOMINANT; Familial exudative vitreoretinopathy, autosomal dominant. Identifiers: Orphanet 891, Orphanet 90050, MedGen C1851402, MONDO:0007589, OMIM 133780.

Allele frequency attached by ClinVar (database versions not stated): 1000 Genomes Project 30x 0.01046; 1000 Genomes Project 0.01078; TOPMed 0.01726; gnomAD 0.01874 and 0.01897; ESP Exome Variant Server 0.01915; gnomAD exomes 0.02086 and 0.02226; ExAC 0.02121.
gnomAD v4.1: 35,324 of 1,613,762 alleles (2.2%); highest among the groups gnomAD compares: Middle Eastern, 2.8%; 466 homozygotes.

Submissions (3):

Illumina Laboratory Services, Illumina
Classification: Benign for Exudative vitreoretinopathy 1. Last evaluated: 2018-01-13. Review status: criteria provided, single submitter. Criteria: ICSL Variant Classification Criteria 13 December 2019. Collection method: clinical testing. Allele origin: germline.
Comment: This variant was observed in the ICSL laboratory as part of a predisposition screen in an ostensibly healthy population. It had not been previously curated by ICSL or reported in the Human Gene Mutation Database (HGMD: prior to June 1st, 2018), and was therefore a candidate for classification through an automated scoring system. Utilizing variant allele frequency, disease prevalence and penetrance estimates, and inheritance mode, an automated score was calculated to assess if this variant is too frequent to cause the disease. Based on the score and internal cut-off values, a variant classified as benign is not then subjected to further curation. The score for this variant resulted in a classification of benign for this disease.

GeneDx
Classification: Benign. Last evaluated: 2015-03-03. Review status: criteria provided, single submitter. Criteria: GeneDx Variant Classification Process June 2021. Collection method: clinical testing. Allele origin: germline. Affected: yes.

Breakthrough Genomics
Classification: Benign. Review status: criteria provided, single submitter. Criteria: ACMG Guidelines, 2015. Collection method: not provided. Allele origin: germline. Inheritance: Autosomal dominant inheritance. Affected: yes.

NM_012193.4(FZD4):c.*2G>T

Genes: FZD4 (frizzled class receptor 4; minus strand), PRSS23 (serine protease 23; plus strand). Cytogenetic location: 11q14.2.
Variant type: single nucleotide variant.
Coding change: c.*2G>T on transcript NM_012193.4 (MANE Select); 2 bases downstream of the stop codon, G replaced by T.
Molecular consequence: 3 prime UTR variant.
Genome position (GRCh38, 1-based): chr11:86,951,140, C>A on the plus strand (G>T on the coding strand, the complement: FZD4 is on the minus strand). VCF-style: chr11-86951140-C-A. GRCh37 (hg19) VCF-style: chr11-86662182-C-A.
Identifiers: ClinVar variation 306401 (VCV000306401.8), dbSNP rs61749246, ClinGen allele CA6218283.